The following is an entry in ClinVar:

NM_001145809.2(MYH14):c.5971del (p.Leu1991fs)

Gene: MYH14 (myosin heavy chain 14; plus strand). Cytogenetic location: 19q13.33.
Variant type: Deletion.
Coding change: c.5971del on transcript NM_001145809.2 (MANE Select); coding-DNA position 5971, one base deleted (C; older notation c.5971delC).
Protein change: p.Leu1991fs; shifts the reading frame from leucine 1991.
Molecular consequence: frameshift variant.
Genome position (GRCh38, 1-based): chr19:50,309,650, C deleted; the last of 5 consecutive C bases (chr19:50,309,646-50,309,650); deleting any one gives the same sequence. VCF-style (leftmost placement, unchanged base first): chr19-50309645-GC-G. GRCh37 (hg19) VCF-style: chr19-50812902-GC-G.
Other names: c.5872del, p.Leu1958fs (NM_001077186.2); c.5848del, p.Leu1950fs (NM_024729.4); short protein forms L1950fs, L1958fs, L1991fs.
Identifiers: ClinVar variation 4990218 (VCV004990218.1).
Genomic context (GRCh38, chr19:50,309,645, plus strand): 5'-CCTCCCCTCCCCTCCCCTCATTTCATCTCTGTATCCTGGTCTCTCCTCCCCACAGACGCG[GC>G]CCCCTCACCTTCACCACCCGCACGGTGCGCCAGGTCTTCCGACTAGAGGAGGGCGTGGCA-3'

ClinVar aggregate classification (germline): Uncertain significance (1 of 4 stars; one submission).

Conditions:
MYH14-related disorder. Also called: MYH14-related condition.

Submission:

PreventionGenetics, part of Exact Sciences
Classification: Uncertain significance for MYH14-related condition. Last evaluated: 2025-11-07. Review status: criteria provided, single submitter. Criteria: ACMG Guidelines, 2015. Collection method: clinical testing. Allele origin: germline.
Comment: The MYH14 c.5971delC variant is predicted to result in a frameshift and premature protein termination (p.Leu1991Serfs*14). To our knowledge, this variant has not been reported in the literature or in a large population database (gnomAD), indicating this variant is rare. This variant occurs in the last exon and no truncating variants downstream of this position have been established as pathogenic. At this time, the clinical significance of this variant is uncertain due to the absence of conclusive functional and genetic evidence.